The following is an entry in ClinVar:

ClinVar aggregate classification (germline): Benign (1 of 4 stars; one submission).

Conditions:
Achromatopsia 2 (ACHM2). Also called: COLORBLINDNESS, TOTAL; ROD MONOCHROMACY 2; ROD MONOCHROMATISM 2. Identifiers: Orphanet 49382, MedGen C1857618, MONDO:0009003, OMIM 216900.

Allele frequency attached by ClinVar (database versions not stated): gnomAD exomes 0.00308; gnomAD 0.03505; 1000 Genomes Project 30x 0.03904; 1000 Genomes Project 0.03974; TOPMed 0.04149.
gnomAD v4.1: 5,514 of 157,208 alleles (3.5%); highest among the groups gnomAD compares: African/African-American, 12%; 337 homozygotes.

Submission:

Illumina Laboratory Services, Illumina
Classification: Benign for Achromatopsia 2. Last evaluated: 2018-01-13. Review status: criteria provided, single submitter. Criteria: ICSL Variant Classification Criteria 13 December 2019. Collection method: clinical testing. Allele origin: germline.
Comment: This variant was observed in the ICSL laboratory as part of a predisposition screen in an ostensibly healthy population. It had not been previously curated by ICSL or reported in the Human Gene Mutation Database (HGMD: prior to June 1st, 2018), and was therefore a candidate for classification through an automated scoring system. Utilizing variant allele frequency, disease prevalence and penetrance estimates, and inheritance mode, an automated score was calculated to assess if this variant is too frequent to cause the disease. Based on the score and internal cut-off values, a variant classified as benign is not then subjected to further curation. The score for this variant resulted in a classification of benign for this disease.

NM_001298.3(CNGA3):c.*574C>T

Gene: CNGA3 (cyclic nucleotide gated channel subunit alpha 3; plus strand). Cytogenetic location: 2q11.2.
Variant type: single nucleotide variant.
Coding change: c.*574C>T on transcript NM_001298.3 (MANE Select); 574 bases downstream of the stop codon, C replaced by T.
Molecular consequence: 3 prime UTR variant.
Genome position (GRCh38, 1-based): chr2:98,397,829, C>T. VCF-style: chr2-98397829-C-T. GRCh37 (hg19) VCF-style: chr2-99014292-C-T.
Other names: c.*574C>T (NM_001079878.2).
Identifiers: ClinVar variation 337678 (VCV000337678.5), dbSNP rs13429817, ClinGen allele CA10614700.
Genomic context (GRCh38, chr2:98,397,829, plus strand): 5'-TGTTCTTTGGGGCCCTAGAAACCCTGGCTTTTGGGAGTGCTATGGCAAGTAGAAGTTCTG[C>T]CGGATGGAAAGAGGCTGCCCCATTTGAGGTCATTTAAAATCTGTGAAGCAAATCCAGACT-3'